The following is an entry in ClinVar:

NM_014795.4(ZEB2):c.2100C>G (p.Tyr700Ter)

Gene: ZEB2 (zinc finger E-box binding homeobox 2; minus strand). Cytogenetic location: 2q22.3.
Variant type: single nucleotide variant.
Coding change: c.2100C>G on transcript NM_014795.4 (MANE Select); coding-DNA position 2100, C replaced by G.
Protein change: p.Tyr700Ter; replaces tyrosine 700 with a stop codon.
Molecular consequence: nonsense.
Genome position (GRCh38, 1-based): chr2:144,399,087, G>C on the plus strand (C>G on the coding strand, the complement: ZEB2 is on the minus strand). VCF-style: chr2-144399087-G-C. GRCh37 (hg19) VCF-style: chr2-145156654-G-C.
Other names: c.2028C>G, p.Tyr676Ter (NM_001171653.2); short protein forms Y700*, Y676*.
Identifiers: ClinVar variation 373033 (VCV000373033.2), dbSNP rs1057518156, ClinGen allele CA16042334.

ClinVar aggregate classification (germline): Pathogenic (1 of 4 stars; one submission).

Submission:

GeneDx
Classification: Pathogenic. Last evaluated: 2016-10-25. Review status: criteria provided, single submitter. Criteria: GeneDx Variant Classification (06012015). Collection method: clinical testing. Allele origin: germline. Affected: yes.
Comment: The nonsense Y700X variant in the ZEB2 gene is predicted to cause loss of normal protein function either through protein truncation or nonsense-mediated mRNA decay. It was not observed in approximately 6,500 individuals of European and African American ancestry in the NHLBI Exome Sequencing Project, indicating it is not a common benign variant in these populations.